The following is an entry in ClinVar:

ClinVar aggregate classification (germline): Uncertain significance (1 of 4 stars; one submission).

Submission:

Ambry Genetics
Classification: Uncertain significance. Last evaluated: 2022-04-22. Review status: criteria provided, single submitter. Criteria: Ambry Variant Classification Scheme 2023. Collection method: clinical testing. Allele origin: germline.
Comment: The p.N1112K variant (also known as c.3336T>A), located in coding exon 17 of the NPAT gene, results from a T to A substitution at nucleotide position 3336. The asparagine at codon 1112 is replaced by lysine, an amino acid with similar properties. This amino acid position is conserved. In addition, this alteration is predicted to be tolerated by in silico analysis. Since supporting evidence is limited at this time, the clinical significance of this alteration remains unclear.

NM_002519.3(NPAT):c.3336T>A (p.Asn1112Lys)

Gene: NPAT (nuclear protein, coactivator of histone transcription; minus strand). Cytogenetic location: 11q22.3.
Variant type: single nucleotide variant.
Coding change: c.3336T>A on transcript NM_002519.3 (MANE Select); coding-DNA position 3336, T replaced by A.
Protein change: p.Asn1112Lys; replaces asparagine 1112 with lysine.
Molecular consequence: missense variant.
Genome position (GRCh38, 1-based): chr11:108,161,750, A>T on the plus strand (T>A on the coding strand, the complement: NPAT is on the minus strand). VCF-style: chr11-108161750-A-T. GRCh37 (hg19) VCF-style: chr11-108032477-A-T.
Other names: c.3357T>A, p.Asn1119Lys (NM_001321307.1); short protein forms N1119K, N1112K.
Identifiers: ClinVar variation 1730359 (VCV001730359.2), dbSNP rs2077852839, ClinGen allele CA382511035.